The following is an entry in ClinVar:

NM_005655.4(KLF10):c.1310G>A (p.Arg437Gln)

Gene: KLF10 (KLF transcription factor 10; minus strand). Cytogenetic location: 8q22.3.
Variant type: single nucleotide variant.
Coding change: c.1310G>A on transcript NM_005655.4 (MANE Select); coding-DNA position 1310, G replaced by A.
Protein change: p.Arg437Gln; replaces arginine 437 with glutamine.
Molecular consequence: missense variant. On other transcripts: non-coding transcript variant (2).
Genome position (GRCh38, 1-based): chr8:102,650,265, C>T on the plus strand (G>A on the coding strand, the complement: KLF10 is on the minus strand). VCF-style: chr8-102650265-C-T. GRCh37 (hg19) VCF-style: chr8-103662493-C-T.
Other names: c.1277G>A, p.Arg426Gln (NM_001032282.4); short protein forms R426Q, R437Q.
Identifiers: ClinVar variation 1365625 (VCV001365625.6), dbSNP rs780387658, ClinGen allele CA4833425.

ClinVar aggregate classification (germline): Uncertain significance (1 of 4 stars; one submission).

Allele frequency attached by ClinVar (database versions not stated): gnomAD exomes below 0.00001; TOPMed below 0.00001; ExAC 0.00001.
gnomAD v4.1: 4 of 1,614,182 alleles (0.00025%); highest among the groups gnomAD compares: Non-Finnish European, 0.00025%; no homozygotes.

Submission:

Labcorp Genetics (formerly Invitae), Labcorp
Classification: Uncertain significance. Last evaluated: 2021-10-05. Review status: criteria provided, single submitter. Criteria: Invitae Variant Classification Sherloc (09022015). Collection method: clinical testing. Allele origin: germline.
Comment: In summary, the available evidence is currently insufficient to determine the role of this variant in disease. Therefore, it has been classified as a Variant of Uncertain Significance. Algorithms developed to predict the effect of sequence changes on RNA splicing suggest that this variant may create or strengthen a splice site. Algorithms developed to predict the effect of missense changes on protein structure and function are either unavailable or do not agree on the potential impact of this missense change (SIFT: "Deleterious"; PolyPhen-2: "Probably Damaging"; Align-GVGD: "Class C0"). This variant has not been reported in the literature in individuals affected with KLF10-related conditions. This variant is present in population databases (rs780387658, ExAC 0.001%). This sequence change replaces arginine with glutamine at codon 437 of the KLF10 protein (p.Arg437Gln). The arginine residue is highly conserved and there is a small physicochemical difference between arginine and glutamine.